The following is an entry in ClinVar:

NM_001379110.1(SLC9A6):c.1983G>A (p.Met661Ile)

Gene: SLC9A6 (solute carrier family 9 member A6; plus strand). Cytogenetic location: Xq26.3.
Variant type: single nucleotide variant.
Coding change: c.1983G>A on transcript NM_001379110.1 (MANE Select); coding-DNA position 1983, G replaced by A.
Protein change: p.Met661Ile; replaces methionine 661 with isoleucine.
Molecular consequence: missense variant.
Genome position (GRCh38, 1-based): chrX:136,044,667, G>A. VCF-style: chrX-136044667-G-A. GRCh37 (hg19) VCF-style: chrX-135126826-G-A.
Other names: c.2049G>A, p.Met683Ile (NM_001042537.2); c.1893G>A, p.Met631Ile (NM_001177651.2); c.1797G>A, p.Met599Ile (NM_001330652.2); c.1953G>A, p.Met651Ile (NM_006359.3); short protein forms M683I, M631I, M599I, M651I, M661I.
Identifiers: ClinVar variation 1486170 (VCV001486170.10), dbSNP rs782730126, ClinGen allele CA10524882.
Genomic context (GRCh38, chrX:136,044,667, plus strand): 5'-GGAGCTTGCATTTGGGGACCATGAACTGGTCATTCGAGGAACACGCCTGGTTCTTCCAAT[G>A]GATGATTCTGAACCCCCGCTAAATTTGTTAGATAATACGAGACATGGTCCAGCCTAAGCT-3'
Protein context (NP_001366039.1, residues 651-671): VIRGTRLVLP[Met661Ile]DDSEPPLNLL

ClinVar aggregate classification (germline): Uncertain significance. Review status: criteria provided, multiple submitters, no conflicts (2 of 4 stars). 3 submissions from 3 submitters: Uncertain significance (3). Last evaluated 2024-09-20.

Conditions:
Christianson syndrome (MRXSCH). Also called: SLC9A6-Related Syndromic Mental Retardation; X-linked mental retardation, syndromic, Christianson type; INTELLECTUAL DEVELOPMENTAL DISORDER, X-LINKED, SYNDROMIC, CHRISTIANSON TYPE. Identifiers: Orphanet 85278, MedGen C2678194, MONDO:0010278, OMIM 300243.

Allele frequency attached by ClinVar (database versions not stated): ExAC 0.00001; gnomAD exomes 0.00001 and 0.00002.
gnomAD v4.1: 9 of 1,210,512 alleles (0.00074%); highest among the groups gnomAD compares: Non-Finnish European, 0.001%; no homozygotes.

Submissions (3):

Women's Health and Genetics/Laboratory Corporation of America, LabCorp
Classification: Uncertain significance. Last evaluated: 2024-09-20. Review status: criteria provided, single submitter. Criteria: LabCorp Variant Classification Summary - May 2015. Collection method: clinical testing. Allele origin: germline.
Comment: Variant summary: SLC9A6 c.1953G>A (p.Met651Ile) results in a conservative amino acid change in the encoded protein sequence. Four of five in-silico tools predict a benign effect of the variant on protein function. The variant allele was found at a frequency of 1.6e-05 in 183316 control chromosomes. The available data on variant occurrences in the general population are insufficient to allow any conclusion about variant significance. To our knowledge, no occurrence of c.1953G>A in individuals affected with Christianson Syndrome and no experimental evidence demonstrating its impact on protein function have been reported. ClinVar contains an entry for this variant (Variation ID: 1486170). Based on the evidence outlined above, the variant was classified as uncertain significance.

Blueprint Genetics
Classification: Uncertain significance. Last evaluated: 2024-01-12. Review status: criteria provided, single submitter. Criteria: ACMG Guidelines, 2015. Collection method: clinical testing. Allele origin: germline.

Labcorp Genetics (formerly Invitae), Labcorp
Classification: Uncertain significance for Christianson syndrome. Last evaluated: 2022-08-09. Review status: criteria provided, single submitter. Criteria: Invitae Variant Classification Sherloc (09022015). Collection method: clinical testing. Allele origin: germline.
Comment: This sequence change replaces methionine, which is neutral and non-polar, with isoleucine, which is neutral and non-polar, at codon 651 of the SLC9A6 protein (p.Met651Ile). This variant is present in population databases (rs782730126, gnomAD 0.004%). In summary, the available evidence is currently insufficient to determine the role of this variant in disease. Therefore, it has been classified as a Variant of Uncertain Significance. Algorithms developed to predict the effect of sequence changes on RNA splicing suggest that this variant may create or strengthen a splice site. Algorithms developed to predict the effect of missense changes on protein structure and function (SIFT, PolyPhen-2, Align-GVGD) all suggest that this variant is likely to be tolerated. ClinVar contains an entry for this variant (Variation ID: 1486170). This variant has not been reported in the literature in individuals affected with SLC9A6-related conditions.